The following is an entry in ClinVar:

ClinVar aggregate classification (germline): Uncertain significance. Review status: criteria provided, multiple submitters, no conflicts (2 of 4 stars). 2 submissions from 2 submitters: Uncertain significance (2). Last evaluated 2025-02-01.

Allele frequency attached by ClinVar (database versions not stated): gnomAD exomes below 0.00001 and 0.00002; gnomAD 0.00001; TOPMed 0.00001.
gnomAD v4.1: 25 of 1,613,594 alleles (0.0015%); highest among the groups gnomAD compares: Middle Eastern, 0.016%; no homozygotes.

Submissions (2):

Labcorp Genetics (formerly Invitae), Labcorp
Classification: Uncertain significance. Last evaluated: 2025-02-01. Review status: criteria provided, single submitter. Criteria: Invitae Variant Classification Sherloc (09022015). Collection method: clinical testing. Allele origin: germline.
Comment: This sequence change replaces glycine, which is neutral and non-polar, with serine, which is neutral and polar, at codon 883 of the ABCA4 protein (p.Gly883Ser). This variant is present in population databases (rs750311446, gnomAD 0.0009%). This variant has not been reported in the literature in individuals affected with ABCA4-related conditions. ClinVar contains an entry for this variant (Variation ID: 1470589). Invitae Evidence Modeling of protein sequence and biophysical properties (such as structural, functional, and spatial information, amino acid conservation, physicochemical variation, residue mobility, and thermodynamic stability) indicates that this missense variant is not expected to disrupt ABCA4 protein function with a negative predictive value of 95%. In summary, the available evidence is currently insufficient to determine the role of this variant in disease. Therefore, it has been classified as a Variant of Uncertain Significance.

Blueprint Genetics
Classification: Uncertain significance. Last evaluated: 2022-05-11. Review status: criteria provided, single submitter. Criteria: ACMG Guidelines, 2015. Collection method: clinical testing. Allele origin: germline.

NM_000350.3(ABCA4):c.2647G>A (p.Gly883Ser)

Gene: ABCA4 (ATP binding cassette subfamily A member 4; minus strand). Cytogenetic location: 1p22.1.
Variant type: single nucleotide variant.
Coding change: c.2647G>A on transcript NM_000350.3 (MANE Select); coding-DNA position 2647, G replaced by A.
Protein change: p.Gly883Ser; replaces glycine 883 with serine.
Molecular consequence: missense variant.
Genome position (GRCh38, 1-based): chr1:94,051,639, C>T on the plus strand (G>A on the coding strand, the complement: ABCA4 is on the minus strand). VCF-style: chr1-94051639-C-T. GRCh37 (hg19) VCF-style: chr1-94517195-C-T.
Other names: c.2425G>A, p.Gly809Ser (NM_001425324.1); short protein forms G883S, G809S.
Identifiers: ClinVar variation 1470589 (VCV001470589.7), dbSNP rs750311446, ClinGen allele CA26841968.